The following is an entry in ClinVar:

NM_003924.4(PHOX2B):c.472C>A (p.Arg158Ser)

Gene: PHOX2B (paired like homeobox 2B; minus strand). Cytogenetic location: 4p13.
Variant type: single nucleotide variant.
Coding change: c.472C>A on transcript NM_003924.4 (MANE Select); coding-DNA position 472, C replaced by A.
Protein change: p.Arg158Ser; replaces arginine 158 with serine.
Molecular consequence: missense variant.
Genome position (GRCh38, 1-based): chr4:41,746,280, G>T on the plus strand (C>A on the coding strand, the complement: PHOX2B is on the minus strand). VCF-style: chr4-41746280-G-T. GRCh37 (hg19) VCF-style: chr4-41748297-G-T.
Other names: short protein forms R158S.
Identifiers: ClinVar variation 5026528 (VCV005026528.1).

ClinVar aggregate classification (germline): Uncertain significance (1 of 4 stars; one submission).

Conditions:
Hereditary cancer-predisposing syndrome. Also called: Neoplastic Syndromes, Hereditary; Tumor predisposition; Hereditary neoplastic syndrome; Hereditary Cancer Syndrome. Identifiers: Orphanet 140162, MedGen C0027672, MeSH D009386, MONDO:0015356.

Submission:

Ambry Genetics
Classification: Uncertain significance for Hereditary cancer-predisposing syndrome. Last evaluated: 2026-07-06. Review status: criteria provided, single submitter. Criteria: Ambry Variant Classification Scheme 2023. Collection method: clinical testing. Allele origin: germline.
Comment: The p.R158S variant (also known as c.472C>A), located in coding exon 3 of the PHOX2B gene, results from a C to A substitution at nucleotide position 472. The arginine at codon 158 is replaced by serine, an amino acid with dissimilar properties. This amino acid position is conserved. In addition, the in silico prediction for this alteration is inconclusive. Based on the available evidence, the clinical significance of this variant remains unclear.